The following is an entry in ClinVar:

NM_005591.4(MRE11):c.888G>A (p.Met296Ile)

Gene: MRE11 (MRE11 double strand break repair nuclease; minus strand). Cytogenetic location: 11q21.
Variant type: single nucleotide variant.
Coding change: c.888G>A on transcript NM_005591.4 (MANE Select); coding-DNA position 888, G replaced by A.
Protein change: p.Met296Ile; replaces methionine 296 with isoleucine.
Molecular consequence: missense variant.
Genome position (GRCh38, 1-based): chr11:94,470,600, C>T on the plus strand (G>A on the coding strand, the complement: MRE11 is on the minus strand). VCF-style: chr11-94470600-C-T. GRCh37 (hg19) VCF-style: chr11-94203766-C-T.
Other names: c.888G>A, p.Met296Ile (NM_001330347.2, NM_005590.4); short protein forms M296I.
Identifiers: ClinVar variation 1799986 (VCV001799986.2), dbSNP rs2135040323, ClinGen allele CA382374634.

ClinVar aggregate classification (germline): Uncertain significance (1 of 4 stars; one submission).

Conditions:
Hereditary cancer-predisposing syndrome. Also called: Neoplastic Syndromes, Hereditary; Tumor predisposition; Hereditary Cancer Syndrome; Hereditary neoplastic syndrome. Identifiers: Orphanet 140162, MedGen C0027672, MeSH D009386, MONDO:0015356.

Submission:

Ambry Genetics
Classification: Uncertain significance for Hereditary cancer-predisposing syndrome. Last evaluated: 2022-08-28. Review status: criteria provided, single submitter. Criteria: Ambry Variant Classification Scheme 2023. Collection method: clinical testing. Allele origin: germline.
Comment: The p.M296I variant (also known as c.888G>A), located in coding exon 8 of the MRE11A gene, results from a G to A substitution at nucleotide position 888. The methionine at codon 296 is replaced by isoleucine, an amino acid with highly similar properties. This amino acid position is conserved. In addition, this alteration is predicted to be tolerated by in silico analysis. Since supporting evidence is limited at this time, the clinical significance of this alteration remains unclear.